The following is an entry in ClinVar:

ClinVar aggregate classification (germline): Uncertain significance (1 of 4 stars; one submission).

gnomAD v4.1: 11 of 1,611,012 alleles (0.00068%); highest among the groups gnomAD compares: African/African-American, 0.0013%; no homozygotes.

Submission:

Labcorp Genetics (formerly Invitae), Labcorp
Classification: Uncertain significance. Last evaluated: 2025-11-19. Review status: criteria provided, single submitter. Criteria: Invitae Variant Classification Sherloc (09022015). Collection method: clinical testing. Allele origin: germline.
Comment: This sequence change replaces arginine, which is basic and polar, with glutamine, which is neutral and polar, at codon 769 of the PITPNM3 protein (p.Arg769Gln). This variant also falls at the last nucleotide of exon 17, which is part of the consensus splice site for this exon. The frequency data for this variant in the population databases is considered unreliable, as metrics indicate poor data quality at this position in the gnomAD database. This variant has not been reported in the literature in individuals affected with PITPNM3-related conditions. An algorithm developed to predict the effect of missense changes on protein structure and function (PolyPhen-2) suggests that this variant is likely to be tolerated. Variants that disrupt the consensus splice site are a relatively common cause of aberrant splicing (PMID: 17576681, 9536098). In summary, the available evidence is currently insufficient to determine the role of this variant in disease. Therefore, it has been classified as a Variant of Uncertain Significance.

Literature cited by the submitters: PubMed 17576681; PubMed 9536098.

NM_031220.4(PITPNM3):c.2306G>A (p.Arg769Gln)

Gene: PITPNM3 (PITPNM family member 3; minus strand). Cytogenetic location: 17p13.2.
Variant type: single nucleotide variant.
Coding change: c.2306G>A on transcript NM_031220.4 (MANE Select); coding-DNA position 2306, G replaced by A.
Protein change: p.Arg769Gln; replaces arginine 769 with glutamine.
Molecular consequence: missense variant.
Genome position (GRCh38, 1-based): chr17:6,463,732, C>T on the plus strand (G>A on the coding strand, the complement: PITPNM3 is on the minus strand). VCF-style: chr17-6463732-C-T. GRCh37 (hg19) VCF-style: chr17-6367052-C-T.
Other names: c.2198G>A, p.Arg733Gln (NM_001165966.2); short protein forms R733Q, R769Q.
Identifiers: ClinVar variation 4765154 (VCV004765154.1).